The following is an entry in ClinVar:

ClinVar aggregate classification (germline): Uncertain significance. Review status: criteria provided, multiple submitters, no conflicts (2 of 4 stars). 2 submissions from 2 submitters: Uncertain significance (2). Last evaluated 2023-01-24.

Submissions (2):

Blueprint Genetics
Classification: Uncertain significance. Last evaluated: 2023-01-24. Review status: criteria provided, single submitter. Criteria: ACMG Guidelines, 2015. Collection method: clinical testing. Allele origin: germline.

GeneDx
Classification: Uncertain significance. Last evaluated: 2020-10-13. Review status: criteria provided, single submitter. Criteria: GeneDx Variant Classification Process June 2021. Collection method: clinical testing. Allele origin: germline. Affected: yes.
Comment: Not observed in large population cohorts (Lek et al., 2016); In silico analysis supports that this missense variant does not alter protein structure/function; Has not been previously published as pathogenic or benign to our knowledge

NM_000883.4(IMPDH1):c.130G>C (p.Gly44Arg)

Genes: IMPDH1 (inosine monophosphate dehydrogenase 1; minus strand), LOC129999258 (ATAC-STARR-seq lymphoblastoid silent region 18606; plus strand). Cytogenetic location: 7q32.1.
Variant type: single nucleotide variant.
Coding change: c.130G>C on transcript NM_000883.4 (MANE Select); coding-DNA position 130, G replaced by C.
Protein change: p.Gly44Arg; replaces glycine 44 with arginine.
Molecular consequence: missense variant.
Genome position (GRCh38, 1-based): chr7:128,409,772, C>G on the plus strand (G>C on the coding strand, the complement: IMPDH1 is on the minus strand). VCF-style: chr7-128409772-C-G. GRCh37 (hg19) VCF-style: chr7-128049826-C-G.
Other names: c.130G>C, p.Gly44Arg (NM_001102605.2, NM_001142576.2, NM_001304521.2 and 1 more transcripts); short protein forms G44R.
Identifiers: ClinVar variation 1306392 (VCV001306392.3), dbSNP rs1037706472, ClinGen allele CA369181801.
Genomic context (GRCh38, chr7:128,409,772, plus strand): 5'-CGCCCGCCCCGGATGCGCCCCGCGCGCTCTGCCCTGGGCGTCACCTCTCGGGCTCGTAGC[C>G]GGCCTGCAGCAGTCGGGCGCTGTACCGCTGCGCCGCCGTCTCGTGTCCCGGGTGTTGCCG-3'
Protein context (NP_000874.2, residues 34-54): QRYSARLLQA[Gly44Arg]YEPESPRLDL